The following is an entry in ClinVar:

ClinVar aggregate classification (germline): Likely benign (1 of 4 stars; one submission).

Allele frequency attached by ClinVar (database versions not stated): ExAC 0.00001.
gnomAD v4.1: 3 of 1,614,232 alleles (0.00019%); highest among the groups gnomAD compares: Middle Eastern, 0.033%; no homozygotes.

Submission:

CeGaT Center for Human Genetics Tuebingen
Classification: Likely benign. Last evaluated: 2023-12-01. Review status: criteria provided, single submitter. Criteria: CeGaT Center For Human Genetics Tuebingen Variant Classification Criteria Version 2. Collection method: clinical testing. Allele origin: germline. Affected: yes. Observed: 1 variant allele.
Comment: HK1: BP4

NM_000188.3(HK1):c.699C>T (p.Gly233=)

Gene: HK1 (hexokinase 1; plus strand). Cytogenetic location: 10q22.1.
Variant type: single nucleotide variant.
Coding change: c.699C>T on transcript NM_000188.3 (MANE Select); coding-DNA position 699, C replaced by T.
Protein change: p.Gly233=; no amino-acid change (glycine 233 retained).
Molecular consequence: synonymous variant.
Genome position (GRCh38, 1-based): chr10:69,369,448, C>T. VCF-style: chr10-69369448-C-T. GRCh37 (hg19) VCF-style: chr10-71129204-C-T.
Other names: c.711C>T, p.Gly237= (NM_001322364.2, NM_001358263.1, NM_033497.3 and 1 more transcripts); c.804C>T, p.Gly268= (NM_001322365.2); c.615C>T, p.Gly205= (NM_001322366.1); c.603C>T, p.Gly201= (NM_001322367.1); c.696C>T, p.Gly232= (NM_033496.3); c.663C>T, p.Gly221= (NM_033500.2).
Identifiers: ClinVar variation 3026601 (VCV003026601.22), dbSNP rs768859571, ClinGen allele CA5532422.